The following is an entry in ClinVar:

ClinVar aggregate classification (germline): Uncertain significance. Review status: criteria provided, multiple submitters, no conflicts (2 of 4 stars). 2 submissions from 2 submitters: Uncertain significance (2). Last evaluated 2026-01-14.

Conditions:
Inborn genetic diseases. Identifiers: MedGen C0950123, MeSH D030342.
Immunodeficiency 14 (IMD14A). Also called: IMMUNODEFICIENCY 14A WITH LYMPHOPROLIFERATION, AUTOSOMAL DOMINANT; Activated PI3K Delta Syndrome Type 1 (APDS1); p110-DELTA-ACTIVATING MUTATION CAUSING SENESCENT T CELLS, LYMPHADENOPATHY, AND IMMUNODEFICIENCY; ACTIVATED PI3K-DELTA SYNDROME 1. Identifiers: Orphanet 397596, Orphanet 693661, MedGen C5907821, MONDO:0014222, OMIM 615513.

Allele frequency attached by ClinVar (database versions not stated): gnomAD 0.00003; TOPMed 0.00003; ESP Exome Variant Server 0.00008.
gnomAD v4.1: 15 of 1,613,274 alleles (0.00093%); highest among the groups gnomAD compares: African/African-American, 0.0027%; no homozygotes.

Submissions (2):

Labcorp Genetics (formerly Invitae), Labcorp
Classification: Uncertain significance for Activated PI3K-delta syndrome. Last evaluated: 2026-01-14. Review status: criteria provided, single submitter. Criteria: Invitae Variant Classification Sherloc (09022015). Collection method: clinical testing. Allele origin: germline.
Comment: This sequence change replaces serine, which is neutral and polar, with leucine, which is neutral and non-polar, at codon 599 of the PIK3CD protein (p.Ser599Leu). This variant is present in population databases (rs369950232, gnomAD 0.004%). This variant has not been reported in the literature in individuals affected with PIK3CD-related conditions. ClinVar contains an entry for this variant (Variation ID: 2154252). Invitae Evidence Modeling of protein sequence and biophysical properties (such as structural, functional, and spatial information, amino acid conservation, physicochemical variation, residue mobility, and thermodynamic stability) indicates that this missense variant is not expected to disrupt PIK3CD protein function with a negative predictive value of 80%. In summary, the available evidence is currently insufficient to determine the role of this variant in disease. Therefore, it has been classified as a Variant of Uncertain Significance.

Ambry Genetics
Classification: Uncertain significance for Inborn genetic diseases. Last evaluated: 2025-06-18. Review status: criteria provided, single submitter. Criteria: Ambry Variant Classification Scheme 2023. Collection method: clinical testing. Allele origin: germline.

NM_005026.5(PIK3CD):c.1796C>T (p.Ser599Leu)

Gene: PIK3CD (phosphatidylinositol-4,5-bisphosphate 3-kinase catalytic subunit delta; plus strand). Cytogenetic location: 1p36.22.
Variant type: single nucleotide variant.
Coding change: c.1796C>T on transcript NM_005026.5 (MANE Select); coding-DNA position 1796, C replaced by T.
Protein change: p.Ser599Leu; replaces serine 599 with leucine.
Molecular consequence: missense variant.
Genome position (GRCh38, 1-based): chr1:9,721,233, C>T. VCF-style: chr1-9721233-C-T. GRCh37 (hg19) VCF-style: chr1-9781291-C-T.
Other names: c.1793C>T, p.Ser598Leu (NM_001350234.2); c.1709C>T, p.Ser570Leu (NM_001350235.1); short protein forms S599L, S570L, S598L.
Identifiers: ClinVar variation 2154252 (VCV002154252.5), dbSNP rs369950232, ClinGen allele CA17780667.